The following is an entry in ClinVar:

ClinVar aggregate classification (germline): Uncertain significance (0 of 4 stars; one submission).

Conditions:
ASCL1-related disorder. Also called: ASCL1-related condition.

Submission:

PreventionGenetics, part of Exact Sciences
Classification: Uncertain significance for ASCL1-related condition. Last evaluated: 2024-07-03. Review status: no assertion criteria provided. Collection method: clinical testing. Allele origin: germline.
Comment: The ASCL1 c.166_186dup21 variant is predicted to result in an in-frame duplication (p.Gln56_Gln62dup). To our knowledge, this variant has not been reported in the literature or in a large population database, indicating this variant is rare. At this time, the clinical significance of this variant is uncertain due to the absence of conclusive functional and genetic evidence.

NM_004316.4(ASCL1):c.151CAG[19] (p.Gln62_Ala63insGlnGlnGlnGlnGlnGlnGln)

Genes: ASCL1 (achaete-scute family bHLH transcription factor 1; plus strand), PAH (phenylalanine hydroxylase; minus strand). Cytogenetic location: 12q23.2.
Variant type: Microsatellite.
Coding change: c.151CAG[19] on transcript NM_004316.4 (MANE Select); 19 copies in a row of the 3-base unit CAG starting at c.151; the reference has 12 copies in a row; seven copies, 21 bases duplicated.
Protein change: p.Gln62_Ala63insGlnGlnGlnGlnGlnGlnGln.
Molecular consequence: inframe insertion. On other transcripts: 5 prime UTR variant (1).
Genome position (GRCh38, 1-based): chr12:102,958,410-102,958,430, CAGCAGCAGCAGCAGCAGCAG duplicated; duplicating any 21 consecutive bases within chr12:102,958,394-102,958,430 gives the same sequence; the position shown is the placement nearest the transcript's 3' end. VCF-style (leftmost placement, unchanged base first): chr12-102958393-C-CGCAGCAGCAGCAGCAGCAGCA. GRCh37 (hg19) VCF-style: chr12-103352171-C-CGCAGCAGCAGCAGCAGCAGCA.
Other names: c.-330TGC[19] (NM_001354304.2).
Identifiers: ClinVar variation 3352651 (VCV003352651.1).
Genomic context (GRCh38, chr12:102,958,393, plus strand): 5'-GTTTCTTTGCCACGGCCGCAGCCGCGGCGGCCGCAGCCGCCGCAGCGGCAGCGCAGAGCG[C>CGCAGCAGCAGCAGCAGCAGCA]GCAGCAGCAGCAGCAGCAGCAGCAGCAGCAGCAGCAGGCGCCGCAGCTGAGACCGGCGGC-3'